The following is an entry in ClinVar:

NM_006904.7(PRKDC):c.9366C>G (p.His3122Gln)

Gene: PRKDC (protein kinase, DNA-activated, catalytic subunit; minus strand). Cytogenetic location: 8q11.21.
Variant type: single nucleotide variant.
Coding change: c.9366C>G on transcript NM_006904.7 (MANE Select); coding-DNA position 9366, C replaced by G.
Protein change: p.His3122Gln; replaces histidine 3122 with glutamine.
Molecular consequence: missense variant.
Genome position (GRCh38, 1-based): chr8:47,819,481, G>C on the plus strand (C>G on the coding strand, the complement: PRKDC is on the minus strand). VCF-style: chr8-47819481-G-C. GRCh37 (hg19) VCF-style: chr8-48732042-G-C.
Other names: c.9366C>G, p.His3122Gln (NM_001081640.2); short protein forms H3122Q.
Identifiers: ClinVar variation 2201747 (VCV002201747.4), dbSNP rs369119781, ClinGen allele CA4739597.

ClinVar aggregate classification (germline): Uncertain significance. Review status: criteria provided, multiple submitters, no conflicts (2 of 4 stars). 2 submissions from 2 submitters: Uncertain significance (2). Last evaluated 2023-12-28.

Conditions:
Severe combined immunodeficiency due to DNA-PKcs deficiency. Also called: IMMUNODEFICIENCY 26 WITH NEUROLOGIC ABNORMALITIES; Immunodeficiency 26 with or without neurologic abnormalities. Identifiers: Orphanet 317425, MedGen C4014833, MONDO:0014423, OMIM 615966.

Allele frequency attached by ClinVar (database versions not stated): gnomAD 0.00002; ExAC 0.00003; ESP Exome Variant Server 0.00009.
gnomAD v4.1: 26 of 1,477,020 alleles (0.0018%); highest among the groups gnomAD compares: South Asian, 0.025%; 1 homozygote.

Submissions (2):

Blueprint Genetics
Classification: Uncertain significance. Last evaluated: 2023-12-28. Review status: criteria provided, single submitter. Criteria: ACMG Guidelines, 2015. Collection method: clinical testing. Allele origin: germline.

Labcorp Genetics (formerly Invitae), Labcorp
Classification: Uncertain significance for Severe combined immunodeficiency due to DNA-PKcs deficiency. Last evaluated: 2023-08-04. Review status: criteria provided, single submitter. Criteria: Invitae Variant Classification Sherloc (09022015). Collection method: clinical testing. Allele origin: germline.
Comment: In summary, the available evidence is currently insufficient to determine the role of this variant in disease. Therefore, it has been classified as a Variant of Uncertain Significance. This sequence change replaces histidine, which is basic and polar, with glutamine, which is neutral and polar, at codon 3122 of the PRKDC protein (p.His3122Gln). This variant is present in population databases (rs369119781, gnomAD 0.02%). This variant has not been reported in the literature in individuals affected with PRKDC-related conditions. ClinVar contains an entry for this variant (Variation ID: 2201747). Advanced modeling of protein sequence and biophysical properties (such as structural, functional, and spatial information, amino acid conservation, physicochemical variation, residue mobility, and thermodynamic stability) performed at Invitae indicates that this missense variant is not expected to disrupt PRKDC protein function. Algorithms developed to predict the effect of sequence changes on RNA splicing suggest that this variant may create or strengthen a splice site.